The following is an entry in ClinVar:

ClinVar aggregate classification (germline): Uncertain significance (1 of 4 stars; one submission).

Conditions:
Birt-Hogg-Dube syndrome. Also called: Birt Hogg Dubé syndrome. Identifiers: Orphanet 122, MedGen C0346010, MONDO:0800444.

Submission:

Labcorp Genetics (formerly Invitae), Labcorp
Classification: Uncertain significance for Birt-Hogg-Dube syndrome. Last evaluated: 2022-01-28. Review status: criteria provided, single submitter. Criteria: Invitae Variant Classification Sherloc (09022015). Collection method: clinical testing. Allele origin: germline.
Comment: This variant has not been reported in the literature in individuals affected with FLCN-related conditions. In summary, the available evidence is currently insufficient to determine the role of this variant in disease. Therefore, it has been classified as a Variant of Uncertain Significance. Algorithms developed to predict the effect of missense changes on protein structure and function (SIFT, PolyPhen-2, Align-GVGD) all suggest that this variant is likely to be tolerated. This variant is not present in population databases (gnomAD no frequency). This sequence change replaces glutamic acid, which is acidic and polar, with glutamine, which is neutral and polar, at codon 315 of the FLCN protein (p.Glu315Gln).

NM_144997.7(FLCN):c.943G>C (p.Glu315Gln)

Gene: FLCN (folliculin; minus strand). Cytogenetic location: 17p11.2.
Variant type: single nucleotide variant.
Coding change: c.943G>C on transcript NM_144997.7 (MANE Select); coding-DNA position 943, G replaced by C.
Protein change: p.Glu315Gln; replaces glutamic acid 315 with glutamine.
Molecular consequence: missense variant.
Genome position (GRCh38, 1-based): chr17:17,219,138, C>G on the plus strand (G>C on the coding strand, the complement: FLCN is on the minus strand). VCF-style: chr17-17219138-C-G. GRCh37 (hg19) VCF-style: chr17-17122452-C-G.
Other names: c.997G>C, p.Glu333Gln (NM_001353229.2); c.943G>C, p.Glu315Gln (NM_001353230.2, NM_001353231.2); short protein forms E333Q, E315Q.
Identifiers: ClinVar variation 2090606 (VCV002090606.4), dbSNP rs587781952, ClinGen allele CA398532954.